The following is an entry in ClinVar:

ClinVar aggregate classification (germline): Likely benign. Review status: criteria provided, multiple submitters, no conflicts (2 of 4 stars). 4 submissions from 4 submitters: Likely benign (4). Last evaluated 2026-02-03.

Conditions:
Familial thoracic aortic aneurysm and aortic dissection (TAAD). Also called: Thoracic aortic aneurysms and dissections. Identifiers: Orphanet 91387, MedGen C4707243, MONDO:0019625.
Aortic aneurysm, familial thoracic 7 (AAT7). Also called: AORTIC DISSECTION, FAMILIAL, WITH OR WITHOUT AORTIC ANEURYSM. Identifiers: MedGen C3151077, MONDO:0013418, OMIM 613780.

Allele frequency attached by ClinVar (database versions not stated): gnomAD 0.00003 and 0.00006; TOPMed 0.00004; gnomAD exomes 0.00005 and 0.00006; ExAC 0.00007.
gnomAD v4.1: 81 of 1,613,986 alleles (0.005%); highest among the groups gnomAD compares: South Asian, 0.029%; no homozygotes.

Submissions (4):

Labcorp Genetics (formerly Invitae), Labcorp
Classification: Likely benign for Aortic aneurysm, familial thoracic 7. Last evaluated: 2026-02-03. Review status: criteria provided, single submitter. Criteria: Invitae Variant Classification Sherloc (09022015). Collection method: clinical testing. Allele origin: germline.

Mayo Clinic Laboratories, Mayo Clinic
Classification: Likely benign. Last evaluated: 2025-07-22. Review status: criteria provided, single submitter. Criteria: ACMG Guidelines, 2015. Collection method: clinical testing. Allele origin: germline. Observed: 1 variant allele.
Comment: BP4, BP7

GeneDx
Classification: Likely benign. Last evaluated: 2021-01-29. Review status: criteria provided, single submitter. Criteria: GeneDx Variant Classification Process June 2021. Collection method: clinical testing. Allele origin: germline. Affected: yes.

Ambry Genetics
Classification: Likely benign for Familial thoracic aortic aneurysm and aortic dissection. Last evaluated: 2020-05-14. Review status: criteria provided, single submitter. Criteria: Ambry Variant Classification Scheme 2023. Collection method: clinical testing. Allele origin: germline.

NM_053025.4(MYLK):c.3660G>A (p.Ala1220=)

Gene: MYLK (myosin light chain kinase; minus strand). Cytogenetic location: 3q21.1.
Variant type: single nucleotide variant.
Coding change: c.3660G>A on transcript NM_053025.4 (MANE Select); coding-DNA position 3660, G replaced by A.
Protein change: p.Ala1220=; no amino-acid change (alanine 1220 retained).
Molecular consequence: synonymous variant.
Genome position (GRCh38, 1-based): chr3:123,667,180, C>T on the plus strand (G>A on the coding strand, the complement: MYLK is on the minus strand). VCF-style: chr3-123667180-C-T. GRCh37 (hg19) VCF-style: chr3-123386027-C-T.
Other names: p.Ala1220=; c.3132G>A, p.Ala1044= (NM_001321309.2); c.3453G>A, p.Ala1151= (NM_053026.4, NM_053028.4); c.3660G>A, p.Ala1220= (NM_053027.4).
Identifiers: ClinVar variation 471726 (VCV000471726.13), dbSNP rs765219262, ClinGen allele CA069998.